The following is an entry in ClinVar:

ClinVar aggregate classification (germline): Uncertain significance (1 of 4 stars; one submission).

Submission:

GeneDx
Classification: Uncertain significance. Last evaluated: 2025-07-21. Review status: criteria provided, single submitter. Criteria: GeneDx Variant Classification Process June 2021. Collection method: clinical testing. Allele origin: germline. Affected: yes.
Comment: Not observed at significant frequency in large population cohorts (gnomAD); In silico analysis supports that this missense variant has a deleterious effect on protein structure/function; Has not been previously published as pathogenic or benign to our knowledge

NM_080680.3(COL11A2):c.283G>T (p.Gly95Cys)

Gene: COL11A2 (collagen type XI alpha 2 chain; minus strand). Cytogenetic location: 6p21.32.
Variant type: single nucleotide variant.
Coding change: c.283G>T on transcript NM_080680.3 (MANE Select); coding-DNA position 283, G replaced by T.
Protein change: p.Gly95Cys; replaces glycine 95 with cysteine.
Molecular consequence: missense variant. On other transcripts: 5 prime UTR variant (3), non-coding transcript variant (1).
Genome position (GRCh38, 1-based): chr6:33,189,138, C>A on the plus strand (G>T on the coding strand, the complement: COL11A2 is on the minus strand). VCF-style: chr6-33189138-C-A. GRCh37 (hg19) VCF-style: chr6-33156915-C-A.
Other names: c.283G>T, p.Gly95Cys (NM_001163771.2, NM_001424108.1, NM_080679.3 and 1 more transcripts); c.-564G>T (NM_001424109.1, NM_001424110.1, NM_001424111.1); short protein forms G95C.
Identifiers: ClinVar variation 4686801 (VCV004686801.1).